The following is an entry in ClinVar:

NC_000005.10:g.156117876A>G

Gene: SGCD (sarcoglycan delta; plus strand). Cytogenetic location: 5q33.2.
Variant type: single nucleotide variant.
Genome position: GRCh38 VCF-style: chr5-156117876-A-G. GRCh37 (hg19) VCF-style: chr5-155544886-A-G.
Identifiers: ClinVar variation 1695144 (VCV001695144.31), dbSNP rs183172007, ClinGen allele CA130567710.

ClinVar aggregate classification (germline): Benign (1 of 4 stars; one submission).

Allele frequency attached by ClinVar (database versions not stated): 1000 Genomes Project 0.00220; 1000 Genomes Project 30x 0.00234; TOPMed 0.00625; gnomAD 0.00681 and 0.00716.

Submission:

CeGaT Center for Human Genetics Tuebingen
Classification: Benign. Last evaluated: 2022-05-01. Review status: criteria provided, single submitter. Criteria: CeGaT Center For Human Genetics Tuebingen Variant Classification Criteria Version 2. Collection method: clinical testing. Allele origin: germline. Affected: yes. Observed: 1 variant allele.
Comment: SGCD: BS1, BS2